The following is an entry in ClinVar:

ClinVar aggregate classification (germline): Uncertain significance (1 of 4 stars; one submission).

Conditions:
Primary ciliary dyskinesia. Also called: Ciliary dyskinesia. Identifiers: Orphanet 244, MedGen C0008780, MONDO:0016575, HP:0012265.

Submission:

Labcorp Genetics (formerly Invitae), Labcorp
Classification: Uncertain significance for Primary ciliary dyskinesia. Last evaluated: 2022-04-20. Review status: criteria provided, single submitter. Criteria: Invitae Variant Classification Sherloc (09022015). Collection method: clinical testing. Allele origin: germline.
Comment: In summary, the available evidence is currently insufficient to determine the role of this variant in disease. Therefore, it has been classified as a Variant of Uncertain Significance. Variants that disrupt the consensus splice site are a relatively common cause of aberrant splicing (PMID: 17576681, 9536098). Algorithms developed to predict the effect of sequence changes on RNA splicing suggest that this variant may disrupt the consensus splice site. This variant has been observed in individual(s) with retinitis pigmentosa (Invitae). This variant is not present in population databases (gnomAD no frequency). This sequence change falls in intron 10 of the RPGR gene. It does not directly change the encoded amino acid sequence of the RPGR protein. It affects a nucleotide within the consensus splice site.

Literature cited by the submitters: PubMed 17576681; PubMed 9536098.

NM_001034853.2(RPGR):c.1246-3A>G

Gene: RPGR (retinitis pigmentosa GTPase regulator; minus strand). Cytogenetic location: Xp11.4.
Variant type: single nucleotide variant.
Coding change: c.1246-3A>G on transcript NM_001034853.2 (MANE Select); 3 bases into the intron before coding-DNA position 1246, A replaced by G.
Molecular consequence: intron variant. On other transcripts: non-coding transcript variant (1).
Genome position (GRCh38, 1-based): chrX:38,297,455, T>C on the plus strand (A>G on the coding strand, the complement: RPGR is on the minus strand). VCF-style: chrX-38297455-T-C. GRCh37 (hg19) VCF-style: chrX-38156708-T-C.
Other names: c.1243-3A>G (NM_001367249.1, NM_001367250.1, NM_001367245.1); c.1060-3A>G (NM_001367251.1, NM_001367246.1); c.1246-3A>G (NM_001367247.1, NM_000328.3); c.1276-3A>G (NM_001367248.1).
Identifiers: ClinVar variation 2082790 (VCV002082790.4), dbSNP rs2519823407, ClinGen allele CA2580100936.